The following is an entry in ClinVar:

ClinVar aggregate classification (germline): Uncertain significance. Review status: criteria provided, multiple submitters, no conflicts (2 of 4 stars). 2 submissions from 2 submitters: Uncertain significance (2). Last evaluated 2024-04-25.

Allele frequency attached by ClinVar (database versions not stated): gnomAD 0.00001; ExAC 0.00002.
gnomAD v4.1: 21 of 1,614,214 alleles (0.0013%); highest among the groups gnomAD compares: Middle Eastern, 0.033%; no homozygotes.

Submissions (2):

Labcorp Genetics (formerly Invitae), Labcorp
Classification: Uncertain significance. Last evaluated: 2024-04-25. Review status: criteria provided, single submitter. Criteria: Invitae Variant Classification Sherloc (09022015). Collection method: clinical testing. Allele origin: germline.
Comment: This sequence change replaces valine, which is neutral and non-polar, with leucine, which is neutral and non-polar, at codon 101 of the VCAN protein (p.Val101Leu). This variant is present in population databases (rs758097509, gnomAD 0.002%). This missense change has been observed in individual(s) with pulmonary arterial hypertension (PMID: 27613157). ClinVar contains an entry for this variant (Variation ID: 1444670). An algorithm developed to predict the effect of missense changes on protein structure and function (PolyPhen-2) suggests that this variant is likely to be disruptive. In summary, the available evidence is currently insufficient to determine the role of this variant in disease. Therefore, it has been classified as a Variant of Uncertain Significance.

Blueprint Genetics
Classification: Uncertain significance. Last evaluated: 2019-08-25. Review status: criteria provided, single submitter. Criteria: ACMG Guidelines, 2015. Collection method: clinical testing. Allele origin: germline.

Literature cited by the submitters: PubMed 27613157 (cited by Labcorp Genetics (formerly Invitae), Labcorp).

NM_004385.5(VCAN):c.301G>T (p.Val101Leu)

Gene: VCAN (versican; plus strand). Cytogenetic location: 5q14.2.
Variant type: single nucleotide variant.
Coding change: c.301G>T on transcript NM_004385.5 (MANE Select); coding-DNA position 301, G replaced by T.
Protein change: p.Val101Leu; replaces valine 101 with leucine.
Molecular consequence: missense variant.
Genome position (GRCh38, 1-based): chr5:83,490,328, G>T. VCF-style: chr5-83490328-G-T. GRCh37 (hg19) VCF-style: chr5-82786147-G-T.
Other names: c.301G>T, p.Val101Leu (NM_001126336.3, NM_001164097.2, NM_001164098.2); short protein forms V101L.
Identifiers: ClinVar variation 1444670 (VCV001444670.7), dbSNP rs758097509, ClinGen allele CA3332419.
Genomic context (GRCh38, chr5:83,490,328, plus strand): 5'-ACTACTGTCCTTGTGGCCCAAAATGGAAATATCAAGATTGGTCAGGACTACAAAGGGAGA[G>T]TGTCTGTGCCCACACATCCCGAGGCTGTGGGCGATGCCTCCCTCACTGTGGTCAAGCTGC-3'
Protein context (NP_004376.2, residues 91-111): IKIGQDYKGR[Val101Leu]SVPTHPEAVG